The following is an entry in ClinVar:

ClinVar aggregate classification (germline): Uncertain significance. Review status: criteria provided, multiple submitters, no conflicts (2 of 4 stars). 2 submissions from 2 submitters: Uncertain significance (2). Last evaluated 2026-06-01.

Conditions:
Progressive sclerosing poliodystrophy (MTDPS4A). Also called: ALPERS PROGRESSIVE INFANTILE POLIODYSTROPHY; NEURONAL DEGENERATION OF CHILDHOOD WITH LIVER DISEASE, PROGRESSIVE; Alpers Syndrome; ALPERS DIFFUSE DEGENERATION OF CEREBRAL GRAY MATTER WITH HEPATIC CIRRHOSIS; Alpers-Huttenlocher Syndrome; Mitochondrial DNA depletion syndrome 4A (Alpers type). Identifiers: Orphanet 726, MedGen C0205710, MONDO:0008758, OMIM 203700.

gnomAD v4.1: 2 of 1,614,082 alleles (0.00012%); highest among the groups gnomAD compares: Non-Finnish European, 0.00017%; no homozygotes.

Submissions (2):

CeGaT Center for Human Genetics Tuebingen
Classification: Uncertain significance. Last evaluated: 2026-06-01. Review status: criteria provided, single submitter. Criteria: CeGaT Center For Human Genetics Tuebingen Variant Classification Criteria Version 2. Collection method: clinical testing. Allele origin: germline. Affected: yes. Observed: 1 variant allele.
Comment: POLG: PM2, PP3

Labcorp Genetics (formerly Invitae), Labcorp
Classification: Uncertain significance for Progressive sclerosing poliodystrophy. Last evaluated: 2025-02-16. Review status: criteria provided, single submitter. Criteria: Invitae Variant Classification Sherloc (09022015). Collection method: clinical testing. Allele origin: germline.
Comment: This sequence change replaces methionine, which is neutral and non-polar, with leucine, which is neutral and non-polar, at codon 812 of the POLG protein (p.Met812Leu). This variant is not present in population databases (gnomAD no frequency). This variant has not been reported in the literature in individuals affected with POLG-related conditions. Invitae Evidence Modeling of protein sequence and biophysical properties (such as structural, functional, and spatial information, amino acid conservation, physicochemical variation, residue mobility, and thermodynamic stability) has been performed for this missense variant. However, the output from this modeling did not meet the statistical confidence thresholds required to predict the impact of this variant on POLG protein function. In summary, the available evidence is currently insufficient to determine the role of this variant in disease. Therefore, it has been classified as a Variant of Uncertain Significance.

NM_002693.3(POLG):c.2434A>T (p.Met812Leu)

Gene: POLG (DNA polymerase gamma, catalytic subunit; minus strand). Cytogenetic location: 15q26.1.
Variant type: single nucleotide variant.
Coding change: c.2434A>T on transcript NM_002693.3 (MANE Select); coding-DNA position 2434, A replaced by T.
Protein change: p.Met812Leu; replaces methionine 812 with leucine.
Molecular consequence: missense variant.
Genome position (GRCh38, 1-based): chr15:89,322,008, T>A on the plus strand (A>T on the coding strand, the complement: POLG is on the minus strand). VCF-style: chr15-89322008-T-A. GRCh37 (hg19) VCF-style: chr15-89865239-T-A.
Other names: c.2434A>T, p.Met812Leu (NM_001126131.2); short protein forms M812L.
Identifiers: ClinVar variation 4737949 (VCV004737949.3).